The following is an entry in ClinVar:

NM_015346.4(ZFYVE26):c.7128+4C>T

Gene: ZFYVE26 (zinc finger FYVE-type containing 26; minus strand). Cytogenetic location: 14q24.1.
Variant type: single nucleotide variant.
Coding change: c.7128+4C>T on transcript NM_015346.4 (MANE Select); 4 bases into the intron after coding-DNA position 7128, C replaced by T.
Molecular consequence: intron variant.
Genome position (GRCh38, 1-based): chr14:67,754,067, G>A on the plus strand (C>T on the coding strand, the complement: ZFYVE26 is on the minus strand). VCF-style: chr14-67754067-G-A. GRCh37 (hg19) VCF-style: chr14-68220784-G-A.
Identifiers: ClinVar variation 448892 (VCV000448892.5), dbSNP rs374198908, ClinGen allele CA7239065.

ClinVar aggregate classification (germline): Conflicting classifications of pathogenicity. Review status: criteria provided, conflicting classifications (1 of 4 stars). 3 submissions from 3 submitters: Uncertain significance (2); Likely benign (1). Last evaluated 2024-10-29.

Conditions:
Spastic paraplegia. Identifiers: MedGen C0037772, HP:0001258.

Allele frequency attached by ClinVar (database versions not stated): TOPMed 0.00004; gnomAD 0.00005; gnomAD exomes 0.00006; ExAC 0.00007; ESP Exome Variant Server 0.00015.
gnomAD v4.1: 100 of 1,614,112 alleles (0.0062%); highest among the groups gnomAD compares: Non-Finnish European, 0.0078%; no homozygotes.

Submissions (3):

Blueprint Genetics
Classification: Likely benign. Last evaluated: 2024-10-29. Review status: criteria provided, single submitter. Criteria: ACMG Guidelines, 2015. Collection method: clinical testing. Allele origin: germline.

Athena Diagnostics
Classification: Uncertain significance. Last evaluated: 2024-08-26. Review status: criteria provided, single submitter. Criteria: Athena Diagnostics Criteria. Collection method: clinical testing. Allele origin: unknown.

Labcorp Genetics (formerly Invitae), Labcorp
Classification: Uncertain significance for Spastic paraplegia. Last evaluated: 2022-08-09. Review status: criteria provided, single submitter. Criteria: Invitae Variant Classification Sherloc (09022015). Collection method: clinical testing. Allele origin: germline.
Comment: This sequence change falls in intron 38 of the ZFYVE26 gene. It does not directly change the encoded amino acid sequence of the ZFYVE26 protein. It affects a nucleotide within the consensus splice site. This variant is present in population databases (rs374198908, gnomAD 0.01%). This variant has not been reported in the literature in individuals affected with ZFYVE26-related conditions. ClinVar contains an entry for this variant (Variation ID: 448892). Variants that disrupt the consensus splice site are a relatively common cause of aberrant splicing (PMID: 17576681, 9536098). Algorithms developed to predict the effect of sequence changes on RNA splicing suggest that this variant is not likely to affect RNA splicing. In summary, the available evidence is currently insufficient to determine the role of this variant in disease. Therefore, it has been classified as a Variant of Uncertain Significance.

Literature cited by the submitters: PubMed 17576681 (cited by Labcorp Genetics (formerly Invitae), Labcorp); PubMed 9536098 (cited by Labcorp Genetics (formerly Invitae), Labcorp).